The following is an entry in ClinVar:

ClinVar aggregate classification (germline): Pathogenic (1 of 4 stars; one submission).

Conditions:
Duchenne muscular dystrophy (DMD). Also called: MUSCULAR DYSTROPHY, PSEUDOHYPERTROPHIC PROGRESSIVE, DUCHENNE TYPE; Duchenne Muscular Dystrophy (DMD). Identifiers: Orphanet 98896, MedGen C0013264, MONDO:0010679, OMIM 310200.

Submission:

Labcorp Genetics (formerly Invitae), Labcorp
Classification: Pathogenic for Duchenne muscular dystrophy. Last evaluated: 2019-12-12. Review status: criteria provided, single submitter. Criteria: Invitae Variant Classification Sherloc (09022015). Collection method: clinical testing. Allele origin: germline.
Comment: This variant is an out-of-frame deletion of the genomic region encompassing exons 49-50 of the DMD gene. This is expected to create a premature translational stop signal and result in an absent or disrupted protein product. Deletion of exons 49-50 has been reported in multiple individuals affected with Duchenne or Becker muscular dystrophy (PMID: 9544849, 9619643, 14977063, 15723292, 16030524, 22090376, 22510846, 26911353). Loss-of-function variants in DMD are known to be pathogenic (PMID: 16770791, 25007885). For these reasons, this variant has been classified as Pathogenic.

Literature cited by the submitters: PubMed 22510846; PubMed 22090376; PubMed 9619643; PubMed 16030524; PubMed 26911353; PubMed 15723292; PubMed 9544849; PubMed 14977063.

NC_000023.11:g.(?_31819965)_(31836829_?)del

Gene: DMD (dystrophin; minus strand). Cytogenetic location: Xp21.1.
Variant type: Deletion.
Identifiers: ClinVar variation 653513 (VCV000653513.2).